The following is an entry in ClinVar:

ClinVar aggregate classification (germline): Pathogenic. Review status: criteria provided, multiple submitters, no conflicts (2 of 4 stars). 11 submissions from 11 submitters: Pathogenic (8). 3 of the submissions do not count toward it. Last evaluated 2025-12-13.

Conditions:
ALMS1-related disorder. Also called: ALMS1-related condition.
Retinal dystrophy. Also called: Inherited retinal dystrophy. Identifiers: Orphanet 71862, MedGen C0854723, MeSH D058499, MONDO:0019118, HP:0000556.
Alstrom syndrome (ALMS). Identifiers: Orphanet 64, MedGen C0268425, MONDO:0008763, OMIM 203800.

Allele frequency attached by ClinVar (database versions not stated): gnomAD 0.00002; gnomAD exomes 0.00002; TOPMed 0.00002; ExAC 0.00001.

Submissions (11):

Labcorp Genetics (formerly Invitae), Labcorp
Classification: Pathogenic for Alstrom syndrome. Last evaluated: 2025-12-13. Review status: criteria provided, single submitter. Criteria: Invitae Variant Classification Sherloc (09022015). Collection method: clinical testing. Allele origin: germline.
Comment: This sequence change creates a premature translational stop signal (p.Thr1386Asnfs*15) in the ALMS1 gene. It is expected to result in an absent or disrupted protein product. Loss-of-function variants in ALMS1 are known to be pathogenic (PMID: 17594715). This variant is present in population databases (rs757011587, gnomAD 0.005%). This premature translational stop signal has been observed in individual(s) with Alstrom syndrome (PMID: 23188138, 25296579, 25706677, 28432734). In at least one individual the data is consistent with being in trans (on the opposite chromosome) from a pathogenic variant. ClinVar contains an entry for this variant (Variation ID: 210127). For these reasons, this variant has been classified as Pathogenic.

GeneDx
Classification: Pathogenic. Last evaluated: 2025-06-09. Review status: criteria provided, single submitter. Criteria: GeneDx Variant Classification Process June 2021. Collection method: clinical testing. Allele origin: germline. Affected: yes.
Comment: Frameshift variant predicted to result in protein truncation or nonsense mediated decay in a gene for which loss of function is a known mechanism of disease; Not observed at significant frequency in large population cohorts (gnomAD); This variant is associated with the following publications: (PMID: 36252119, 28112973, 30064963, 28610912, 28432734, 34691145, 35843912, 36109815, 38022732, 39386013, 23188138, 25706677)

Natera, Inc.
Classification: Pathogenic for Alstrom syndrome. Last evaluated: 2024-10-08. Review status: criteria provided, single submitter. Criteria: Natera Variant Classification Schema (03/2026). Collection method: clinical testing. Allele origin: germline.
Comment: The c.4156dupA variant in ALMS1 is a frameshift variant predicted to shift the reading frame beginning at codon 1386 and leads to a stop codon 15 codons downstream. This variant is expected to result in nonsense mediated decay, truncation, or a dysfunctional protein product. This variant is rare in the general population with a frequency below the threshold expected for the associated phenotype(s). This variant has been observed in one or more individuals affected with the associated recessive disease, as either homozygous or compound heterozygous with a second variant (PMID: 25706677). Given the available evidence, this variant is classified as Pathogenic.

Blueprint Genetics
Classification: Pathogenic for ALMS1-related disorders. Last evaluated: 2023-10-30. Review status: criteria provided, single submitter. Criteria: ACMG Guidelines, 2015. Collection method: clinical testing. Allele origin: germline. Affected: yes. Observed: 5 variant alleles.

Institute of Medical Genetics and Applied Genomics, University Hospital Tübingen
Classification: Pathogenic. Last evaluated: 2020-10-23. Review status: criteria provided, single submitter. Criteria: ACMG Guidelines, 2015. Collection method: clinical testing. Allele origin: germline. Inheritance: Autosomal recessive inheritance. Affected: yes.

Victorian Clinical Genetics Services, Murdoch Childrens Research Institute
Classification: Pathogenic for Alstrom syndrome. Last evaluated: 2020-05-21. Review status: criteria provided, single submitter. Criteria: ACMG Guidelines, 2015. Collection method: clinical testing. Allele origin: germline. Inheritance: Autosomal recessive inheritance.
Comment: A heterozygous duplication variant was identified, NM_015120.4(ALMS1):c.4156dupA in exon 8 of 23 of the ALMS1 gene. This duplication is predicted to cause a frameshift from amino acid position 1386 introducing a stop codon downstream; NP_055935.4(ALMS1):p.(Thr1386Asnfs*15), resulting in loss of normal protein function through nonsense-mediated decay (NMD). The variant is present in the gnomAD population database at a global population frequency of 0.0021% (6 heterozygotes, 0 homozygotes), with a European sub-population frequency of 0.0047%. The variant has been previously reported in patients with Alstrom syndrome (ClinVar, Dotan, G. et al. (2017)). Other variants predicted to cause NMD have been reported as pathogenic in individuals with Alstrom syndrome (ClinVar, Marshall, J. D. et al. (2007)). Based on information available at the time of curation, this variant has been classified as PATHOGENIC.

CeGaT Center for Human Genetics Tuebingen
Classification: Pathogenic. Last evaluated: 2018-08-01. Review status: criteria provided, single submitter. Criteria: CeGaT Center For Human Genetics Tuebingen Variant Classification Criteria Version 2. Collection method: clinical testing. Allele origin: germline. Affected: yes. Observed: 2 variant alleles.

Genetic Services Laboratory, University of Chicago
Classification: Pathogenic for Alstrom syndrome. Last evaluated: 2014-05-06. Review status: criteria provided, single submitter. Criteria: ACMG Guidelines, 2015. Collection method: clinical testing. Allele origin: germline. Affected: yes.

Institute of Human Genetics, Univ. Regensburg, Univ. Regensburg
Classification: Pathogenic for Retinal dystrophy. Last evaluated: 2023-01-01. Review status: no assertion criteria provided. Criteria: ACMG Guidelines, 2015. Collection method: clinical testing. Allele origin: germline. Affected: yes. Not counted in ClinVar's aggregate classification.

Counsyl
Classification: Pathogenic for Alstrom syndrome. Last evaluated: 2017-04-06. Review status: no assertion criteria provided. Collection method: clinical testing. Allele origin: unknown. Not counted in ClinVar's aggregate classification.

Laboratory of Genetics in Ophthalmology, Institut Imagine
Classification: Pathogenic for Alstrom syndrome. Review status: no assertion criteria provided. Collection method: research. Allele origin: inherited. Affected: yes. Observed: 1 variant allele. Not counted in ClinVar's aggregate classification.

Literature cited by the submitters: PubMed 17594715 (cited by Labcorp Genetics (formerly Invitae), Labcorp and Victorian Clinical Genetics Services, Murdoch Childrens Research Institute); PubMed 23188138 (cited by Labcorp Genetics (formerly Invitae), Labcorp and Laboratory of Genetics in Ophthalmology, Institut Imagine); PubMed 25296579 (cited by Labcorp Genetics (formerly Invitae), Labcorp and Counsyl); PubMed 25706677 (cited by Labcorp Genetics (formerly Invitae), Labcorp and Natera, Inc.); PubMed 28432734 (cited by Labcorp Genetics (formerly Invitae), Labcorp); PubMed 28112973 (cited by Victorian Clinical Genetics Services, Murdoch Childrens Research Institute).

NM_001378454.1(ALMS1):c.4153dup (p.Thr1385fs)

Gene: ALMS1 (ALMS1 centrosome and basal body associated protein; plus strand). Cytogenetic location: 2p13.1.
Variant type: Duplication.
Coding change: c.4153dup on transcript NM_001378454.1 (MANE Select); coding-DNA position 4153, one base duplicated (A; older notation c.4153dupA).
Protein change: p.Thr1385fs; shifts the reading frame from threonine 1385.
Molecular consequence: frameshift variant.
Genome position (GRCh38, 1-based): chr2:73,450,680, A duplicated. VCF-style (leftmost placement, unchanged base first): chr2-73450679-T-TA. GRCh37 (hg19) VCF-style: chr2-73677806-T-TA.
Other names: c.4156dupA (NM_015120.4); c.4156dup, p.Thr1386fs (NM_015120.4); short protein forms T1385fs, T1386fs.
Identifiers: ClinVar variation 210127 (VCV000210127.65), dbSNP rs797045228, ClinGen allele CA277349.
Genomic context (GRCh38, chr2:73,450,679, plus strand): 5'-TGAACCAGTTGACCAGACAACTGGCACACCAACTGTAACCTCTACTTCTTACTCACAACA[T>TA]ACAGAGAAGCCGAGTATTTTCTACCAACAGTCGTTGCCAGGTAGTCATCTAACTGAAGAG-3'